The following is an entry in ClinVar:

NM_000384.3(APOB):c.3790C>T (p.Gln1264Ter)

Gene: APOB (apolipoprotein B; minus strand). Cytogenetic location: 2p24.1.
Variant type: single nucleotide variant.
Coding change: c.3790C>T on transcript NM_000384.3 (MANE Select); coding-DNA position 3790, C replaced by T.
Protein change: p.Gln1264Ter; replaces glutamine 1264 with a stop codon.
Molecular consequence: nonsense.
Genome position (GRCh38, 1-based): chr2:21,014,500, G>A on the plus strand (C>T on the coding strand, the complement: APOB is on the minus strand). VCF-style: chr2-21014500-G-A. GRCh37 (hg19) VCF-style: chr2-21237372-G-A.
Other names: short protein forms Q1264*.
Identifiers: ClinVar variation 3751074 (VCV003751074.2).

ClinVar aggregate classification (germline): Pathogenic (1 of 4 stars; one submission).

Conditions:
Familial hypobetalipoproteinemia 1. Also called: APOB-Related Familial Hypobetalipoproteinemia; Hypobetalipoproteinemia, normotriglyceridemic; Acanthocytosis with hypobetalipoproteinemia. Identifiers: MedGen C4551990, MONDO:0014252, OMIM 615558.
Hypercholesterolemia, autosomal dominant, type B (FHCL2). Also called: Familial Hypercholesterolemia Type B; APOLIPOPROTEIN B-100, FAMILIAL DEFECTIVE; APOLIPOPROTEIN B-100, FAMILIAL LIGAND-DEFECTIVE; HYPERCHOLESTEROLEMIA, FAMILIAL, DUE TO LIGAND-DEFECTIVE APOLIPOPROTEIN B; Hyperlipoproteinemia Type IIb; Familial hypercholesterolemia 2. Identifiers: MedGen C1704417, MONDO:0007751, OMIM 144010.

Submission:

Labcorp Genetics (formerly Invitae), Labcorp
Classification: Pathogenic for Familial hypobetalipoproteinemia 1; Hypercholesterolemia, autosomal dominant, type B. Last evaluated: 2024-02-13. Review status: criteria provided, single submitter. Criteria: Invitae Variant Classification Sherloc (09022015). Collection method: clinical testing. Allele origin: germline.
Comment: This sequence change creates a premature translational stop signal (p.Gln1264*) in the APOB gene. It is expected to result in an absent or disrupted protein product. Loss-of-function variants in APOB are known to be pathogenic (PMID: 20032471). This variant is not present in population databases (gnomAD no frequency). This variant has not been reported in the literature in individuals affected with APOB-related conditions. For these reasons, this variant has been classified as Pathogenic.

Literature cited by the submitters: PubMed 20032471.